The following is an entry in ClinVar:

ClinVar aggregate classification (germline): Uncertain significance (1 of 4 stars; one submission).

Conditions:
Cardiovascular phenotype. Identifiers: MedGen CN230736.

Submission:

Ambry Genetics
Classification: Uncertain significance for Cardiovascular phenotype. Last evaluated: 2024-04-14. Review status: criteria provided, single submitter. Criteria: Ambry Variant Classification Scheme 2023. Collection method: clinical testing. Allele origin: germline.
Comment: The p.E3612G variant (also known as c.10835A>G), located in coding exon 2 of the ZNF469 gene, results from an A to G substitution at nucleotide position 10835. The glutamic acid at codon 3612 is replaced by glycine, an amino acid with similar properties. This amino acid position is conserved. In addition, this alteration is predicted to be tolerated by in silico analysis. Based on the available evidence, the clinical significance of this variant remains unclear.

NM_001367624.2(ZNF469):c.10919A>G (p.Glu3640Gly)

Gene: ZNF469 (zinc finger protein 469; plus strand). Cytogenetic location: 16q24.2.
Variant type: single nucleotide variant.
Coding change: c.10919A>G on transcript NM_001367624.2 (MANE Select); coding-DNA position 10919, A replaced by G.
Protein change: p.Glu3640Gly; replaces glutamic acid 3640 with glycine.
Molecular consequence: missense variant.
Genome position (GRCh38, 1-based): chr16:88,438,389, A>G. VCF-style: chr16-88438389-A-G. GRCh37 (hg19) VCF-style: chr16-88504797-A-G.
Other names: NM_001127464.1:c.10835A>G; short protein forms E3640G.
Identifiers: ClinVar variation 3258239 (VCV003258239.1).